The following is an entry in ClinVar:

NM_001267550.2(TTN):c.70711G>A (p.Ala23571Thr)

Genes: TTN (titin; minus strand), TTN-AS1 (TTN antisense RNA 1; plus strand). Cytogenetic location: 2q31.2.
Variant type: single nucleotide variant.
Coding change: c.70711G>A on transcript NM_001267550.2 (MANE Select); coding-DNA position 70711, G replaced by A.
Protein change: p.Ala23571Thr; replaces alanine 23571 with threonine.
Molecular consequence: missense variant.
Genome position (GRCh38, 1-based): chr2:178,575,421, C>T on the plus strand (G>A on the coding strand, the complement: TTN is on the minus strand). VCF-style: chr2-178575421-C-T. GRCh37 (hg19) VCF-style: chr2-179440148-C-T.
Other names: c.65788G>A, p.Ala21930Thr (NM_001256850.1); c.43516G>A, p.Ala14506Thr (NM_003319.4); c.63007G>A, p.Ala21003Thr (NM_133378.4); c.43891G>A, p.Ala14631Thr (NM_133432.3); c.44092G>A, p.Ala14698Thr (NM_133437.4); short protein forms A14506T, A14631T, A14698T, A21003T, A21930T, A23571T.
Identifiers: ClinVar variation 2579625 (VCV002579625.1), dbSNP rs2468677611, ClinGen allele CA349661711.

ClinVar aggregate classification (germline): Uncertain significance (1 of 4 stars; one submission).

Allele frequency attached by ClinVar (database versions not stated): gnomAD exomes below 0.00001.
gnomAD v4.1: 2 of 1,613,604 alleles (0.00012%); highest among the groups gnomAD compares: Non-Finnish European, 0.00017%; no homozygotes.

Submission:

GeneDx
Classification: Uncertain significance. Last evaluated: 2023-03-10. Review status: criteria provided, single submitter. Criteria: GeneDx Variant Classification Process June 2021. Collection method: clinical testing. Allele origin: germline. Affected: yes.
Comment: Not observed at significant frequency in large population cohorts (gnomAD); Missense variant in a gene in which most reported pathogenic variants are truncating/loss of function; Has not been previously published as pathogenic or benign to our knowledge; Located in the A-band region of TTN in which the majority of loss of function variants have been associated with autosomal dominant titinopathies (Herman et al., 2012)